The following is an entry in ClinVar:

NC_000017.10:g.(?_80858507)_(80861374_?)del

Gene: TBCD (tubulin folding cofactor D). Cytogenetic location: 17q25.3.
Variant type: Deletion.
Identifiers: ClinVar variation 3243172 (VCV003243172.1).

ClinVar aggregate classification (germline): Pathogenic (1 of 4 stars; one submission).

Submission:

Labcorp Genetics (formerly Invitae), Labcorp
Classification: Pathogenic. Last evaluated: 2023-05-02. Review status: criteria provided, single submitter. Criteria: Invitae Variant Classification Sherloc (09022015). Collection method: clinical testing. Allele origin: unknown.
Comment: For these reasons, this variant has been classified as Pathogenic. This variant has not been reported in the literature in individuals affected with TBCD-related conditions. This variant is a gross deletion of the genomic region encompassing exon(s) 18-19 of the TBCD gene. This deletion is out-of-frame, and is expected to create a premature termination codon and result in an absent or disrupted protein product. Loss-of-function variants in TBCD are known to be pathogenic (PMID: 27666370, 27666374).

Literature cited by the submitters: PubMed 27666370; PubMed 27666374.